The following is an entry in ClinVar:

NM_001127222.2(CACNA1A):c.6205G>A (p.Glu2069Lys)

Gene: CACNA1A (calcium voltage-gated channel subunit alpha1 A; minus strand). Cytogenetic location: 19p13.13.
Variant type: single nucleotide variant.
Coding change: c.6205G>A on transcript NM_001127222.2 (MANE Select); coding-DNA position 6205, G replaced by A.
Protein change: p.Glu2069Lys; replaces glutamic acid 2069 with lysine.
Molecular consequence: missense variant.
Genome position (GRCh38, 1-based): chr19:13,212,201, C>T on the plus strand (G>A on the coding strand, the complement: CACNA1A is on the minus strand). VCF-style: chr19-13212201-C-T. GRCh37 (hg19) VCF-style: chr19-13323015-C-T.
Other names: c.6205G>A (NM_001127222.1); c.6223G>A, p.Glu2075Lys (NM_000068.4, NM_023035.3); c.6208G>A, p.Glu2070Lys (NM_001127221.2); c.6214G>A, p.Glu2072Lys (NM_001174080.2); short protein forms E2069K, E2070K, E2072K, E2075K.
Identifiers: ClinVar variation 1695901 (VCV001695901.6), dbSNP rs543458967, ClinGen allele CA305550533.

ClinVar aggregate classification (germline): Uncertain significance. Review status: criteria provided, multiple submitters, no conflicts (2 of 4 stars). 2 submissions from 2 submitters: Uncertain significance (2). Last evaluated 2025-08-05.

Conditions:
CACNA1A-related disorder. Also called: CACNA1A-related condition.
Episodic ataxia type 2 (EA2). Also called: ATAXIA, EPISODIC, WITH NYSTAGMUS; ATAXIA, FAMILIAL PAROXYSMAL; CEREBELLAR ATAXIA, PAROXYSMAL, ACETAZOLAMIDE-RESPONSIVE; CEREBELLOPATHY, HEREDITARY PAROXYSMAL; EPISODIC ATAXIA, NYSTAGMUS-ASSOCIATED; ACETAZOLAMIDE-RESPONSIVE HEREDITARY PAROXYSMAL CEREBELLAR ATAXIA. Identifiers: Orphanet 97, MedGen C1720416, MONDO:0007163, OMIM 108500.
Developmental and epileptic encephalopathy, 42 (DEE42A). Also called: DEVELOPMENTAL AND EPILEPTIC ENCEPHALOPATHY 42A; EPILEPTIC ENCEPHALOPATHY, EARLY INFANTILE, 42A; Epileptic encephalopathy, early infantile, 42. Identifiers: MedGen C4310716, MONDO:0014917, OMIM 617106.

Allele frequency attached by ClinVar (database versions not stated): gnomAD exomes below 0.00001; TOPMed below 0.00001.
gnomAD v4.1: 2 of 1,613,900 alleles (0.00012%); highest among the groups gnomAD compares: African/African-American, 0.0027%; no homozygotes.

Submissions (2):

PreventionGenetics, part of Exact Sciences
Classification: Uncertain significance for CACNA1A-related condition. Last evaluated: 2025-08-05. Review status: criteria provided, single submitter. Criteria: ACMG Guidelines, 2015. Collection method: clinical testing. Allele origin: germline.
Comment: The CACNA1A c.6205G>A variant is predicted to result in the amino acid substitution p.Glu2069Lys. To our knowledge, this variant has not been reported in the literature or in a large population database, indicating this variant is rare. At this time, the clinical significance of this variant is uncertain due to the absence of conclusive functional and genetic evidence.

Labcorp Genetics (formerly Invitae), Labcorp
Classification: Uncertain significance for Developmental and epileptic encephalopathy, 42; Episodic ataxia type 2. Last evaluated: 2024-10-24. Review status: criteria provided, single submitter. Criteria: Invitae Variant Classification Sherloc (09022015). Collection method: clinical testing. Allele origin: germline.
Comment: This sequence change replaces glutamic acid, which is acidic and polar, with lysine, which is basic and polar, at codon 2070 of the CACNA1A protein (p.Glu2070Lys). This variant is not present in population databases (gnomAD no frequency). This variant has not been reported in the literature in individuals affected with CACNA1A-related conditions. ClinVar contains an entry for this variant (Variation ID: 1695901). Invitae Evidence Modeling of protein sequence and biophysical properties (such as structural, functional, and spatial information, amino acid conservation, physicochemical variation, residue mobility, and thermodynamic stability) indicates that this missense variant is not expected to disrupt CACNA1A protein function with a negative predictive value of 95%. In summary, the available evidence is currently insufficient to determine the role of this variant in disease. Therefore, it has been classified as a Variant of Uncertain Significance.